The following is an entry in ClinVar:

NM_016373.4(WWOX):c.860A>G (p.Tyr287Cys)

Gene: WWOX (WW domain containing oxidoreductase; plus strand). Cytogenetic location: 16q23.1.
Variant type: single nucleotide variant.
Coding change: c.860A>G on transcript NM_016373.4 (MANE Select); coding-DNA position 860, A replaced by G.
Protein change: p.Tyr287Cys; replaces tyrosine 287 with cysteine.
Molecular consequence: missense variant.
Genome position (GRCh38, 1-based): chr16:78,432,556, A>G. VCF-style: chr16-78432556-A-G. GRCh37 (hg19) VCF-style: chr16-78466453-A-G.
Other names: c.521A>G, p.Tyr174Cys (NM_001291997.2); short protein forms Y174C, Y287C.
Identifiers: ClinVar variation 1057961 (VCV001057961.7), dbSNP rs369890118, ClinGen allele CA8183522.
Genomic context (GRCh38, chr16:78,432,556, plus strand): 5'-ATATTAACGACTCCTTGGGAAAACTGGACTTCAGTCGCCTCTCTCCAACAAAAAACGACT[A>G]TTGGGCGATGCTGGCTTATAACAGGTCCAAGCTCTGCAACATCCTCTTCTCCAACGAGCT-3'
Protein context (NP_057457.1, residues 277-297): FSRLSPTKND[Tyr287Cys]WAMLAYNRSK

ClinVar aggregate classification (germline): Uncertain significance. Review status: criteria provided, multiple submitters, no conflicts (2 of 4 stars). 2 submissions from 2 submitters: Uncertain significance (2). Last evaluated 2022-05-27.

Conditions:
Autosomal recessive spinocerebellar ataxia 12. Also called: SPINOCEREBELLAR ATAXIA WITH MENTAL RETARDATION AND EPILEPSY. Identifiers: Orphanet 284282, MedGen C3280452, MONDO:0013687, OMIM 614322.
Developmental and epileptic encephalopathy, 1 (DEE1). Also called: X-linked infantile spasms; West's syndrome; Tonic spasms with clustering, arrest of psychomotor development and hypsarrhythmia on EEG; X-Linked Infantile Spasm Syndrome; OHTAHARA SYNDROME, X-LINKED; Epileptic encephalopathy, early infantile, 1. Identifiers: MedGen C3463992, MONDO:0010632, OMIM 308350. Disease mechanism: loss of function.

Allele frequency attached by ClinVar (database versions not stated): TOPMed below 0.00001; ExAC 0.00001; gnomAD 0.00001; gnomAD exomes 0.00001; ESP Exome Variant Server 0.00016.
gnomAD v4.1: 22 of 1,613,998 alleles (0.0014%); highest among the groups gnomAD compares: East Asian, 0.0045%; no homozygotes.

Submissions (2):

Labcorp Genetics (formerly Invitae), Labcorp
Classification: Uncertain significance for Developmental and epileptic encephalopathy, 1; Autosomal recessive spinocerebellar ataxia 12. Last evaluated: 2022-05-27. Review status: criteria provided, single submitter. Criteria: Invitae Variant Classification Sherloc (09022015). Collection method: clinical testing. Allele origin: germline.
Comment: This sequence change replaces tyrosine, which is neutral and polar, with cysteine, which is neutral and slightly polar, at codon 287 of the WWOX protein (p.Tyr287Cys). This variant is present in population databases (rs369890118, gnomAD 0.004%). This variant has not been reported in the literature in individuals affected with WWOX-related conditions. ClinVar contains an entry for this variant (Variation ID: 1057961). Algorithms developed to predict the effect of missense changes on protein structure and function are either unavailable or do not agree on the potential impact of this missense change (SIFT: "Not Available"; PolyPhen-2: "Probably Damaging"; Align-GVGD: "Not Available"). In summary, the available evidence is currently insufficient to determine the role of this variant in disease. Therefore, it has been classified as a Variant of Uncertain Significance.

Blueprint Genetics
Classification: Uncertain significance. Last evaluated: 2022-01-12. Review status: criteria provided, single submitter. Criteria: ACMG Guidelines, 2015. Collection method: clinical testing. Allele origin: germline.